The following is an entry in ClinVar:

ClinVar aggregate classification (germline): Uncertain significance. Review status: criteria provided, multiple submitters, no conflicts (2 of 4 stars). 2 submissions from 2 submitters: Uncertain significance (2). Last evaluated 2024-08-31.

Allele frequency attached by ClinVar (database versions not stated): ExAC 0.00003; TOPMed 0.00005; gnomAD 0.00007; gnomAD exomes 0.00009; ESP Exome Variant Server 0.00016.

Submissions (2):

Labcorp Genetics (formerly Invitae), Labcorp
Classification: Uncertain significance. Last evaluated: 2024-08-31. Review status: criteria provided, single submitter. Criteria: Invitae Variant Classification Sherloc (09022015). Collection method: clinical testing. Allele origin: germline.
Comment: This sequence change replaces methionine, which is neutral and non-polar, with valine, which is neutral and non-polar, at codon 1188 of the ATP13A3 protein (p.Met1188Val). This variant is present in population databases (rs200187937, gnomAD 0.01%). This variant has not been reported in the literature in individuals affected with ATP13A3-related conditions. An algorithm developed to predict the effect of missense changes on protein structure and function (PolyPhen-2) suggests that this variant is likely to be tolerated. Algorithms developed to predict the effect of sequence changes on RNA splicing suggest that this variant may create or strengthen a splice site. In summary, the available evidence is currently insufficient to determine the role of this variant in disease. Therefore, it has been classified as a Variant of Uncertain Significance.

Ambry Genetics
Classification: Uncertain significance. Last evaluated: 2023-11-27. Review status: criteria provided, single submitter. Criteria: Ambry Variant Classification Scheme 2023. Collection method: clinical testing. Allele origin: germline.

NM_001367549.1(ATP13A3):c.3652A>G (p.Met1218Val)

Gene: ATP13A3 (ATPase 13A3; minus strand). Cytogenetic location: 3q29.
Variant type: single nucleotide variant.
Coding change: c.3652A>G on transcript NM_001367549.1 (MANE Select); coding-DNA position 3652, A replaced by G.
Protein change: p.Met1218Val; replaces methionine 1218 with valine.
Molecular consequence: missense variant. On other transcripts: non-coding transcript variant (1).
Genome position (GRCh38, 1-based): chr3:194,406,038, T>C on the plus strand (A>G on the coding strand, the complement: ATP13A3 is on the minus strand). VCF-style: chr3-194406038-T-C. GRCh37 (hg19) VCF-style: chr3-194126767-T-C.
Other names: c.3571A>G, p.Met1191Val (NM_001374836.1); c.3562A>G, p.Met1188Val (NM_024524.4); short protein forms M1191V, M1218V, M1188V.
Identifiers: ClinVar variation 3131404 (VCV003131404.3), dbSNP rs200187937, ClinGen allele CA2761363.